The following is an entry in ClinVar:

ClinVar aggregate classification (germline): Uncertain significance (1 of 4 stars; one submission).

Conditions:
Congenital contractural arachnodactyly (CCA). Also called: BEALS SYNDROME; Beals-Hecht syndrome; Arthrogryposis, distal, type 9. Identifiers: Orphanet 115, MedGen C0220668, MONDO:0007363, OMIM 121050.
Macular degeneration, early-onset (EOMD). Identifiers: MedGen C4015286, MONDO:0014501, OMIM 616118.

Submission:

Juno Genomics, Hangzhou Juno Genomics, Inc
Classification: Uncertain significance for Congenital contractural arachnodactyly; Macular degeneration, early-onset. Review status: criteria provided, single submitter. Criteria: ACMG Guidelines, 2015. Collection method: clinical testing. Allele origin: germline.
Comment: Absent from controls (or at extremely low frequency if recessive) in Genome Aggregation Database.;Multiple lines of computational evidence support a deleterious effect on the gene or gene product.

NM_001999.4(FBN2):c.1162T>G (p.Cys388Gly)

Gene: FBN2 (fibrillin 2; minus strand). Cytogenetic location: 5q23.3.
Variant type: single nucleotide variant.
Coding change: c.1162T>G on transcript NM_001999.4 (MANE Select); coding-DNA position 1162, T replaced by G.
Protein change: p.Cys388Gly; replaces cysteine 388 with glycine.
Molecular consequence: missense variant.
Genome position (GRCh38, 1-based): chr5:128,395,191, A>C on the plus strand (T>G on the coding strand, the complement: FBN2 is on the minus strand). VCF-style: chr5-128395191-A-C. GRCh37 (hg19) VCF-style: chr5-127730884-A-C.
Other names: short protein forms C388G.
Identifiers: ClinVar variation 5006833 (VCV005006833.2).
Genomic context (GRCh38, chr5:128,395,191, plus strand): 5'-TGACAGGACAGGCTTCAGGAATGGTTCCGATGCCCCAGCAGCGGCCAGGCTCACAGCAGC[A>C]CTGCATTTTCGTCATTCTCCCCGGGAGCTCTTGTGCACAGCGGCCATTCACCAGGCCCGA-3'
Protein context (NP_001990.2, residues 378-398): ELPGRMTKMQ[Cys388Gly]CCEPGRCWGI